The following is an entry in ClinVar:

NM_001164665.2(KIAA1549):c.3594G>T (p.Gln1198His)

Gene: KIAA1549 (KIAA1549; minus strand). Cytogenetic location: 7q34.
Variant type: single nucleotide variant.
Coding change: c.3594G>T on transcript NM_001164665.2 (MANE Select); coding-DNA position 3594, G replaced by T.
Protein change: p.Gln1198His; replaces glutamine 1198 with histidine.
Molecular consequence: missense variant.
Genome position (GRCh38, 1-based): chr7:138,903,663, C>A on the plus strand (G>T on the coding strand, the complement: KIAA1549 is on the minus strand). VCF-style: chr7-138903663-C-A. GRCh37 (hg19) VCF-style: chr7-138588409-C-A.
Other names: c.3594G>T, p.Gln1198His (NM_020910.3); short protein forms Q1198H.
Identifiers: ClinVar variation 1034767 (VCV001034767.8), dbSNP rs773567342, ClinGen allele CA4506174.

ClinVar aggregate classification (germline): Uncertain significance (1 of 4 stars; one submission).

Allele frequency attached by ClinVar (database versions not stated): gnomAD exomes below 0.00001; ExAC 0.00001; gnomAD 0.00002; TOPMed 0.00002.
gnomAD v4.1: 4 of 1,612,578 alleles (0.00025%); highest among the groups gnomAD compares: African/African-American, 0.0053%; no homozygotes.

Submission:

Labcorp Genetics (formerly Invitae), Labcorp
Classification: Uncertain significance. Last evaluated: 2022-03-18. Review status: criteria provided, single submitter. Criteria: Invitae Variant Classification Sherloc (09022015). Collection method: clinical testing. Allele origin: germline.
Comment: In summary, the available evidence is currently insufficient to determine the role of this variant in disease. Therefore, it has been classified as a Variant of Uncertain Significance. Algorithms developed to predict the effect of missense changes on protein structure and function are either unavailable or do not agree on the potential impact of this missense change (SIFT: "Tolerated"; PolyPhen-2: "Probably Damaging"; Align-GVGD: "Class C0"). ClinVar contains an entry for this variant (Variation ID: 1034767). This variant has not been reported in the literature in individuals affected with KIAA1549-related conditions. This variant is present in population databases (rs773567342, gnomAD 0.007%). This sequence change replaces glutamine, which is neutral and polar, with histidine, which is basic and polar, at codon 1198 of the KIAA1549 protein (p.Gln1198His).